The following is an entry in ClinVar:

NM_014991.6(WDFY3):c.9302T>G (p.Val3101Gly)

Gene: WDFY3 (WD repeat and FYVE domain containing 3; minus strand). Cytogenetic location: 4q21.23.
Variant type: single nucleotide variant.
Coding change: c.9302T>G on transcript NM_014991.6 (MANE Select); coding-DNA position 9302, T replaced by G.
Protein change: p.Val3101Gly; replaces valine 3101 with glycine.
Molecular consequence: missense variant.
Genome position (GRCh38, 1-based): chr4:84,690,567, A>C on the plus strand (T>G on the coding strand, the complement: WDFY3 is on the minus strand). VCF-style: chr4-84690567-A-C. GRCh37 (hg19) VCF-style: chr4-85611720-A-C.
Other names: p.(Val3101Gly); short protein forms V3101G.
Identifiers: ClinVar variation 1801502 (VCV001801502.3), dbSNP rs757773291, ClinGen allele CA357537132.

ClinVar aggregate classification (germline): Uncertain significance (1 of 4 stars; one submission).

Conditions:
Microcephaly 18, primary, autosomal dominant (MCPH18). Identifiers: MedGen C4479608, MONDO:0054593, OMIM 617520.

gnomAD v4.1: 1 of 1,614,024 alleles (0.000062%); highest among the groups gnomAD compares: Non-Finnish European, 0.000085%; no homozygotes.

Submission:

Foundation for Research in Genetics and Endocrinology, FRIGE's Institute of Human Genetics
Classification: Uncertain significance for Microcephaly 18, primary, autosomal dominant. Last evaluated: 2022-09-21. Review status: criteria provided, single submitter. Criteria: ACMG Guidelines, 2015. Collection method: clinical testing. Allele origin: germline. Inheritance: Autosomal dominant inheritance. Affected: yes. Observed: 1 heterozygote.
Comment: A heterozygous missense variation in exon 61 of the WDFY3 gene that results in the amino acid substitution of Glycine for Valine at codon 3101 was detected . The p.Val3101Gly variant has not been reported in the 1000 genomes, gnomAD and our internal databases. The in silico predictions# of the variant are damaging by SIFT and LRT. The reference codon is conserved across mammals.